The following is an entry in ClinVar:

ClinVar aggregate classification (germline): Uncertain significance (1 of 4 stars; one submission).

Submission:

Labcorp Genetics (formerly Invitae), Labcorp
Classification: Uncertain significance. Last evaluated: 2025-03-30. Review status: criteria provided, single submitter. Criteria: Invitae Variant Classification Sherloc (09022015). Collection method: clinical testing. Allele origin: germline.
Comment: This sequence change replaces serine, which is neutral and polar, with asparagine, which is neutral and polar, at codon 780 of the VAV1 protein (p.Ser780Asn). This variant is not present in population databases (gnomAD no frequency). This variant has not been reported in the literature in individuals affected with VAV1-related conditions. An algorithm developed to predict the effect of missense changes on protein structure and function outputs the following: PolyPhen-2: "Benign". The asparagine amino acid residue is found in multiple mammalian species, which suggests that this missense change does not adversely affect protein function. In summary, the available evidence is currently insufficient to determine the role of this variant in disease. Therefore, it has been classified as a Variant of Uncertain Significance.

NM_005428.4(VAV1):c.2339G>A (p.Ser780Asn)

Gene: VAV1 (vav guanine nucleotide exchange factor 1; plus strand). Cytogenetic location: 19p13.3.
Variant type: single nucleotide variant.
Coding change: c.2339G>A on transcript NM_005428.4 (MANE Select); coding-DNA position 2339, G replaced by A.
Protein change: p.Ser780Asn; replaces serine 780 with asparagine.
Molecular consequence: missense variant.
Genome position (GRCh38, 1-based): chr19:6,853,953, G>A. VCF-style: chr19-6853953-G-A. GRCh37 (hg19) VCF-style: chr19-6853964-G-A.
Other names: c.2273G>A, p.Ser758Asn (NM_001258206.2); c.2243G>A, p.Ser748Asn (NM_001258207.2); short protein forms S748N, S758N, S780N.
Identifiers: ClinVar variation 4715959 (VCV004715959.1).
Genomic context (GRCh38, chr19:6,853,953, plus strand): 5'-AGTGAGTGGGTATCTGCCCCAGACCCTTTTCTCACTTCTGTTCTCTCTCCACAGTGGGAA[G>A]CACAAAGTATTTTGGCACAGCCAAAGCCCGCTATGACTTCTGCGCCCGAGACCGATCAGA-3'
Protein context (NP_005419.2, residues 770-790): KRTISRPAVG[Ser780Asn]TKYFGTAKAR